The following is an entry in ClinVar:

ClinVar aggregate classification (germline): Uncertain significance (1 of 4 stars; one submission).

Conditions:
H19-related disorder. Also called: H19-related condition.

Allele frequency attached by ClinVar (database versions not stated): 1000 Genomes Project 0.00020.

Submission:

PreventionGenetics, part of Exact Sciences
Classification: Uncertain significance for H19-related condition. Last evaluated: 2023-07-14. Review status: criteria provided, single submitter. Criteria: ACMG Guidelines, 2015. Collection method: clinical testing. Allele origin: germline.
Comment: The H19 n.-2916G>A variant is predicted to interfere with splicing. To our knowledge, this variant has not been reported in the literature or in a large population database, indicating this variant is rare. At this time, the clinical significance of this variant is uncertain due to the absence of conclusive functional and genetic evidence.

NR_002196.2(H19):n.-2916G>A

Genes: H19 (H19 imprinted maternally expressed transcript; minus strand), H19-ICR (H19/IGF2 imprinting control region; plus strand), MRPL23 (mitochondrial ribosomal protein L23; plus strand). Cytogenetic location: 11p15.5.
Variant type: single nucleotide variant.
Molecular consequence: intron variant (on NM_001400176.1).
Genome position: GRCh38 VCF-style: chr11-2000791-C-T. GRCh37 (hg19) VCF-style: chr11-2022021-C-T.
Other names: c.498-10750C>T (NM_001400176.1).
Identifiers: ClinVar variation 2631195 (VCV002631195.1), dbSNP rs531579904, ClinGen allele CA216220626.